The following is an entry in ClinVar:

NM_000039.3(APOA1):c.577_592dup (p.Leu198Ter)

Gene: APOA1 (apolipoprotein A1; minus strand). Cytogenetic location: 11q23.3.
Variant type: Duplication.
Coding change: c.577_592dup on transcript NM_000039.3 (MANE Select); coding-DNA positions 577 to 592, 16 bases duplicated (GAGCTGCGCCAGCGCT).
Protein change: p.Leu198Ter; replaces leucine 198 with a stop codon.
Molecular consequence: nonsense. On other transcripts: frameshift variant (1).
Genome position (GRCh38, 1-based): chr11:116,836,020-116,836,035, AGCGCTGGCGCAGCTC duplicated on the plus strand (GAGCTGCGCCAGCGCT on the coding strand, the reverse complement: APOA1 is on the minus strand). VCF-style (leftmost placement, unchanged base first): chr11-116836019-A-AAGCGCTGGCGCAGCTC. GRCh37 (hg19) VCF-style: chr11-116706735-A-AAGCGCTGGCGCAGCTC.
Other names: c.577_592dup, p.Leu198Ter (NM_001318017.2, NM_001318018.2); c.250_265dup, p.Leu89Terfs (NM_001318021.2); short protein forms L198*, L89*.
Identifiers: ClinVar variation 2023977 (VCV002023977.4), dbSNP rs2540288514, ClinGen allele CA2580083483.

ClinVar aggregate classification (germline): Uncertain significance (1 of 4 stars; one submission).

Submission:

Labcorp Genetics (formerly Invitae), Labcorp
Classification: Uncertain significance. Last evaluated: 2022-08-13. Review status: criteria provided, single submitter. Criteria: Invitae Variant Classification Sherloc (09022015). Collection method: clinical testing. Allele origin: germline.
Comment: This variant disrupts a region of the APOA1 protein in which other variant(s) (p.Leu227Serfs*28) have been observed in individuals with APOA1-related conditions (PMID: 1898657). This suggests that this is a clinically significant region of the protein, and that variants that disrupt it are likely to be disease-causing. In summary, the available evidence is currently insufficient to determine the role of this variant in disease. Therefore, it has been classified as a Variant of Uncertain Significance. Experimental studies and prediction algorithms are not available or were not evaluated, and the functional significance of this variant is currently unknown. This variant has not been reported in the literature in individuals affected with APOA1-related conditions. This variant is not present in population databases (gnomAD no frequency). This sequence change creates a premature translational stop signal (p.Leu198*) in the APOA1 gene. While this is not anticipated to result in nonsense mediated decay, it is expected to disrupt the last 70 amino acid(s) of the APOA1 protein.

Literature cited by the submitters: PubMed 1898657.